The following is an entry in ClinVar:

NM_182972.3(IRF2BP2):c.404G>T (p.Ser135Ile)

Genes: IRF2BP2 (interferon regulatory factor 2 binding protein 2; minus strand), LOC129932812 (ATAC-STARR-seq lymphoblastoid silent region 1977; plus strand). Cytogenetic location: 1q42.3.
Variant type: single nucleotide variant.
Coding change: c.404G>T on transcript NM_182972.3 (MANE Select); coding-DNA position 404, G replaced by T.
Protein change: p.Ser135Ile; replaces serine 135 with isoleucine.
Molecular consequence: missense variant.
Genome position (GRCh38, 1-based): chr1:234,609,091, C>A on the plus strand (G>T on the coding strand, the complement: IRF2BP2 is on the minus strand). VCF-style: chr1-234609091-C-A. GRCh37 (hg19) VCF-style: chr1-234744837-C-A.
Other names: c.404G>T, p.Ser135Ile (NM_001077397.1); short protein forms S135I.
Identifiers: ClinVar variation 2065216 (VCV002065216.4), dbSNP rs1202418143, ClinGen allele CA345310602.

ClinVar aggregate classification (germline): Uncertain significance (1 of 4 stars; one submission).

Submission:

Labcorp Genetics (formerly Invitae), Labcorp
Classification: Uncertain significance. Last evaluated: 2022-06-12. Review status: criteria provided, single submitter. Criteria: Invitae Variant Classification Sherloc (09022015). Collection method: clinical testing. Allele origin: germline.
Comment: This variant is not present in population databases (gnomAD no frequency). This sequence change replaces serine, which is neutral and polar, with isoleucine, which is neutral and non-polar, at codon 135 of the IRF2BP2 protein (p.Ser135Ile). This variant has not been reported in the literature in individuals affected with IRF2BP2-related conditions. Algorithms developed to predict the effect of missense changes on protein structure and function are either unavailable or do not agree on the potential impact of this missense change (SIFT: "Deleterious"; PolyPhen-2: "Benign"; Align-GVGD: "Class C0"). In summary, the available evidence is currently insufficient to determine the role of this variant in disease. Therefore, it has been classified as a Variant of Uncertain Significance.